The following is an entry in ClinVar:

ClinVar aggregate classification (germline): Conflicting classifications of pathogenicity. Review status: criteria provided, conflicting classifications (1 of 4 stars). 2 submissions from 2 submitters: Uncertain significance (1); Likely benign (1). Last evaluated 2025-11-19.

Allele frequency attached by ClinVar (database versions not stated): gnomAD exomes 0.00001; TOPMed 0.00001; ExAC 0.00002.
gnomAD v4.1: 8 of 1,614,176 alleles (0.0005%); highest among the groups gnomAD compares: Admixed American, 0.012%; no homozygotes.

Submissions (2):

Ambry Genetics
Classification: Likely benign. Last evaluated: 2025-11-19. Review status: criteria provided, single submitter. Criteria: Ambry Variant Classification Scheme 2023. Collection method: clinical testing. Allele origin: germline.

Labcorp Genetics (formerly Invitae), Labcorp
Classification: Uncertain significance. Last evaluated: 2023-11-04. Review status: criteria provided, single submitter. Criteria: Invitae Variant Classification Sherloc (09022015). Collection method: clinical testing. Allele origin: germline.
Comment: This sequence change replaces proline, which is neutral and non-polar, with serine, which is neutral and polar, at codon 342 of the IGSF10 protein (p.Pro342Ser). This variant is present in population databases (rs767429459, gnomAD 0.01%). This variant has not been reported in the literature in individuals affected with IGSF10-related conditions. Algorithms developed to predict the effect of missense changes on protein structure and function output the following: SIFT: "Not Available"; PolyPhen-2: "Benign"; Align-GVGD: "Not Available". The serine amino acid residue is found in multiple mammalian species, which suggests that this missense change does not adversely affect protein function. In summary, the available evidence is currently insufficient to determine the role of this variant in disease. Therefore, it has been classified as a Variant of Uncertain Significance.

NM_178822.5(IGSF10):c.1024C>T (p.Pro342Ser)

Gene: IGSF10 (immunoglobulin superfamily member 10; minus strand). Cytogenetic location: 3q25.1.
Variant type: single nucleotide variant.
Coding change: c.1024C>T on transcript NM_178822.5 (MANE Select); coding-DNA position 1024, C replaced by T.
Protein change: p.Pro342Ser; replaces proline 342 with serine.
Molecular consequence: missense variant.
Genome position (GRCh38, 1-based): chr3:151,448,957, G>A on the plus strand (C>T on the coding strand, the complement: IGSF10 is on the minus strand). VCF-style: chr3-151448957-G-A. GRCh37 (hg19) VCF-style: chr3-151166745-G-A.
Other names: c.1024C>T, p.Pro342Ser (NM_001385060.1, NM_001385061.1, NM_001385062.1 and 1 more transcripts); c.1024C>T (NM_178822.4); short protein forms P342S.
Identifiers: ClinVar variation 2984673 (VCV002984673.4), dbSNP rs767429459, ClinGen allele CA2670623.